The following is an entry in ClinVar:

NM_181703.4(GJA5):c.650T>C (p.Leu217Pro)

Genes: GJA5 (gap junction protein alpha 5; minus strand), LOC122128420 (Sharpr-MPRA regulatory region 3144; plus strand). Cytogenetic location: 1q21.2.
Variant type: single nucleotide variant.
Coding change: c.650T>C on transcript NM_181703.4 (MANE Select); coding-DNA position 650, T replaced by C.
Protein change: p.Leu217Pro; replaces leucine 217 with proline.
Molecular consequence: missense variant.
Genome position (GRCh38, 1-based): chr1:147,758,589, A>G on the plus strand (T>C on the coding strand, the complement: GJA5 is on the minus strand). VCF-style: chr1-147758589-A-G. GRCh37 (hg19) VCF-style: chr1-147230697-A-G.
Other names: c.650T>C, p.Leu217Pro (NM_005266.7); short protein forms L217P.
Identifiers: ClinVar variation 2057986 (VCV002057986.4), dbSNP rs1663842091, ClinGen allele CA342395226.

ClinVar aggregate classification (germline): Uncertain significance (1 of 4 stars; one submission).

Conditions:
Atrial standstill 1 (ATRST1). Also called: Atrial standstill, digenic (GJA5/SCN5A); ATRIAL CARDIOMYOPATHY WITH HEART BLOCK; CARDIOMYOPATHY, FAMILIAL, WITH CONDUCTION DISTURBANCE. Identifiers: Orphanet 1344, MedGen C4551959, MONDO:0007171, OMIM 108770.
Atrial fibrillation, familial, 11 (ATFB11). Identifiers: MedGen C3279693, MONDO:0013544, OMIM 614049.

Allele frequency attached by ClinVar (database versions not stated): gnomAD exomes below 0.00001; gnomAD 0.00001.

Submission:

Labcorp Genetics (formerly Invitae), Labcorp
Classification: Uncertain significance for Atrial fibrillation, familial, 11; Atrial standstill 1. Last evaluated: 2021-12-24. Review status: criteria provided, single submitter. Criteria: Invitae Variant Classification Sherloc (09022015). Collection method: clinical testing. Allele origin: germline.
Comment: This variant is not present in population databases (gnomAD no frequency). This variant has not been reported in the literature in individuals affected with GJA5-related conditions. Algorithms developed to predict the effect of missense changes on protein structure and function are either unavailable or do not agree on the potential impact of this missense change (SIFT: "Not Available"; PolyPhen-2: "Probably Damaging"; Align-GVGD: "Not Available"). In summary, the available evidence is currently insufficient to determine the role of this variant in disease. Therefore, it has been classified as a Variant of Uncertain Significance. This sequence change replaces leucine, which is neutral and non-polar, with proline, which is neutral and non-polar, at codon 217 of the GJA5 protein (p.Leu217Pro).